The following is an entry in ClinVar:

ClinVar aggregate classification (germline): Uncertain significance. Review status: criteria provided, single submitter (1 of 4 stars). 2 submissions from 2 submitters: Uncertain significance (1). 1 of the submissions does not count toward it. Last evaluated 2024-12-21.

Allele frequency attached by ClinVar (database versions not stated): ExAC 0.00003; gnomAD exomes 0.00008 and 0.00013; gnomAD 0.00010; TOPMed 0.00012.
gnomAD v4.1: 199 of 1,613,898 alleles (0.012%); highest among the groups gnomAD compares: Non-Finnish European, 0.016%; no homozygotes.

Submissions (2):

Clinical Genomics Laboratory, Washington University in St. Louis
Classification: Uncertain significance. Last evaluated: 2024-12-21. Review status: criteria provided, single submitter. Criteria: ACMG Guidelines, 2015. Collection method: clinical testing. Allele origin: germline.
Comment: A KDR c.3808A>C (p.Lys1270Gln) variant was identified at a near heterozygous allelic fraction of 48.6%, a frequency which may be consistent with germline origin. This variant, to our knowledge, has not been reported in the medical literature. It has been observed on 199/1,613,898 alleles in the general population (gnomAD v.4.1.0). Computational predictors are uncertain as to the impact of this variant on KDR function. Due to limited information, and based on ACMG/AMP guidelines for variant interpretation (Richards S et al., PMID: 25741868), the clinical significance of this variant is uncertain at this time.

ITMI
No classification provided. Condition: AllHighlyPenetrant. Last evaluated: 2013-09-19. Review status: no classification provided. Collection method: reference population. Allele origin: germline. Not counted in ClinVar's aggregate classification.
Comment: Please see associated publication for description of ethnicities

Literature cited by the submitters: PubMed 24728327 (cited by ITMI).

NM_002253.4(KDR):c.3808A>C (p.Lys1270Gln)

Gene: KDR (kinase insert domain receptor; minus strand). Cytogenetic location: 4q12.
Variant type: single nucleotide variant.
Coding change: c.3808A>C on transcript NM_002253.4 (MANE Select); coding-DNA position 3808, A replaced by C.
Protein change: p.Lys1270Gln; replaces lysine 1270 with glutamine.
Molecular consequence: missense variant.
Genome position (GRCh38, 1-based): chr4:55,081,996, T>G on the plus strand (A>C on the coding strand, the complement: KDR is on the minus strand). VCF-style: chr4-55081996-T-G. GRCh37 (hg19) VCF-style: chr4-55948163-T-G.
Other names: short protein forms K1270Q.
Identifiers: ClinVar variation 134609 (VCV000134609.2), dbSNP rs587778427, ClinGen allele CA160323.